The following is an entry in ClinVar:

ClinVar aggregate classification (germline): Pathogenic (1 of 4 stars; one submission).

Conditions:
Hereditary spastic paraplegia 11. Also called: SPASTIC PARAPLEGIA, AUTOSOMAL RECESSIVE, COMPLICATED, WITH THIN CORPUS CALLOSUM; SPASTIC PARAPLEGIA, AUTOSOMAL RECESSIVE, WITH MENTAL IMPAIRMENT AND THIN CORPUS CALLOSUM; Spastic paraplegia, mental retardation and thin corpus callosum; Spastic Paraplegia 11; Nakamura Osame syndrome; Autosomal recessive hereditary spastic paraplegia, mental impairment, and thin corpus callosum. Identifiers: Orphanet 2822, MedGen C1858479, MONDO:0011445, OMIM 604360.

Submission:

Labcorp Genetics (formerly Invitae), Labcorp
Classification: Pathogenic for Hereditary spastic paraplegia 11. Last evaluated: 2021-07-01. Review status: criteria provided, single submitter. Criteria: Invitae Variant Classification Sherloc (09022015). Collection method: clinical testing. Allele origin: germline.
Comment: This sequence change creates a premature translational stop signal (p.His2180Glnfs*9) in the SPG11 gene. It is expected to result in an absent or disrupted protein product. Loss-of-function variants in SPG11 are known to be pathogenic (PMID: 19105190, 20110243, 22154821, 26556829). This variant is not present in population databases (ExAC no frequency). This variant has not been reported in the literature in individuals affected with SPG11-related conditions. For these reasons, this variant has been classified as Pathogenic.

Literature cited by the submitters: PubMed 19105190; PubMed 20110243; PubMed 22154821; PubMed 26556829.

NM_025137.4(SPG11):c.6540del (p.His2180fs)

Gene: SPG11 (SPG11 vesicle trafficking associated, spatacsin; minus strand). Cytogenetic location: 15q21.1.
Variant type: Deletion.
Coding change: c.6540del on transcript NM_025137.4 (MANE Select); coding-DNA position 6540, one base deleted (T; older notation c.6540delT).
Protein change: p.His2180fs; shifts the reading frame from histidine 2180.
Molecular consequence: frameshift variant.
Genome position (GRCh38, 1-based): chr15:44,569,443, A deleted on the plus strand (T on the coding strand, the reverse complement: SPG11 is on the minus strand). VCF-style (leftmost placement, unchanged base first): chr15-44569442-TA-T. GRCh37 (hg19) VCF-style: chr15-44861640-TA-T.
Other names: c.6201del, p.His2067fs (NM_001160227.2); short protein forms H2067fs, H2180fs.
Identifiers: ClinVar variation 1445863 (VCV001445863.6), dbSNP rs2140920898, ClinGen allele CA2573150866.
Genomic context (GRCh38, chr15:44,569,442, plus strand): 5'-ATTACTTTGCACCTACCGGATCCAACTTCTTCCTCATTAGCACTTCAAAGTAGTGCTTTT[TA>T]TGCAGCAAATCAAATATGTATGTCATCTCGTTGTACCTTCCAATGCCAGTGAGGAGCCGT-3'